The following is an entry in ClinVar:

ClinVar aggregate classification (germline): Uncertain significance (1 of 4 stars; one submission).

Conditions:
Primary familial hypertrophic cardiomyopathy (HCM). Identifiers: Orphanet 99739, MedGen C0949658, MeSH D024741, MONDO:0024573. Inheritance: Various modes of inheritance.
Hypertrophic cardiomyopathy 25 (CMH25). Also called: CARDIOMYOPATHY, FAMILIAL HYPERTROPHIC, 25. Identifiers: MedGen C4225408, MONDO:0011843, OMIM 607487.

Submission:

Labcorp Genetics (formerly Invitae), Labcorp
Classification: Uncertain significance for Hypertrophic cardiomyopathy 25; Primary familial hypertrophic cardiomyopathy. Last evaluated: 2023-07-08. Review status: criteria provided, single submitter. Criteria: Invitae Variant Classification Sherloc (09022015). Collection method: clinical testing. Allele origin: germline.
Comment: In summary, the available evidence is currently insufficient to determine the role of this variant in disease. Therefore, it has been classified as a Variant of Uncertain Significance. Experimental studies and prediction algorithms are not available or were not evaluated, and the functional significance of this variant is currently unknown. This variant has not been reported in the literature in individuals affected with TCAP-related conditions. This variant is not present in population databases (gnomAD no frequency). This variant, c.205_207del, results in the deletion of 1 amino acid(s) of the TCAP protein (p.Met69del), but otherwise preserves the integrity of the reading frame.

NM_003673.4(TCAP):c.202ATG[1] (p.Met69del)

Gene: TCAP (titin-cap; plus strand). Cytogenetic location: 17q12.
Variant type: Microsatellite.
Coding change: c.202ATG[1] on transcript NM_003673.4 (MANE Select); one copy of the 3-base unit ATG starting at c.202; the reference has two copies in a row; one copy, 3 bases deleted.
Protein change: p.Met69del; deletes methionine 69.
Molecular consequence: inframe deletion.
Genome position (GRCh38, 1-based): chr17:39,665,810-39,665,812, ATG deleted; deleting any 3 consecutive bases within chr17:39,665,805-39,665,812 gives the same sequence; the position shown is the placement nearest the transcript's 3' end. VCF-style (leftmost placement, unchanged base first): chr17-39665804-CTGA-C. GRCh37 (hg19) VCF-style: chr17-37822057-CTGA-C.
Other names: short protein forms M69del.
Identifiers: ClinVar variation 1379464 (VCV001379464.8), dbSNP rs2145073493, ClinGen allele CA2580613272.